The following is an entry in ClinVar:

NM_000243.3(MEFV):c.35C>T (p.Thr12Ile)

Gene: MEFV (MEFV innate immunity regulator, pyrin; minus strand). Cytogenetic location: 16p13.3.
Variant type: single nucleotide variant.
Coding change: c.35C>T on transcript NM_000243.3 (MANE Select); coding-DNA position 35, C replaced by T.
Protein change: p.Thr12Ile; replaces threonine 12 with isoleucine.
Molecular consequence: missense variant.
Genome position (GRCh38, 1-based): chr16:3,256,553, G>A on the plus strand (C>T on the coding strand, the complement: MEFV is on the minus strand). VCF-style: chr16-3256553-G-A. GRCh37 (hg19) VCF-style: chr16-3306553-G-A.
Other names: c.35C>T, p.Thr12Ile (NM_001198536.2); short protein forms T12I.
Identifiers: ClinVar variation 2074799 (VCV002074799.1), dbSNP rs533833365, ClinGen allele CA7860551.

ClinVar aggregate classification (germline): Uncertain significance (1 of 4 stars; one submission).

Conditions:
Familial Mediterranean fever (FMF). Also called: POLYSEROSITIS, FAMILIAL PAROXYSMAL; POLYSEROSITIS, RECURRENT; Periodic peritonitis; Benign paroxysmal peritonitis. Identifiers: Orphanet 342, MedGen C0031069, MONDO:0018088, OMIM 249100. Disease mechanism: gain of function.

Allele frequency attached by ClinVar (database versions not stated): ExAC 0.00002; gnomAD 0.00002; 1000 Genomes Project 30x 0.00016; 1000 Genomes Project 0.00020; TOPMed 0.00003.

Submission:

Labcorp Genetics (formerly Invitae), Labcorp
Classification: Uncertain significance for Familial Mediterranean fever. Last evaluated: 2022-06-22. Review status: criteria provided, single submitter. Criteria: Invitae Variant Classification Sherloc (09022015). Collection method: clinical testing. Allele origin: germline.
Comment: This sequence change replaces threonine, which is neutral and polar, with isoleucine, which is neutral and non-polar, at codon 12 of the MEFV protein (p.Thr12Ile). This variant is present in population databases (rs533833365, gnomAD 0.006%). This variant has not been reported in the literature in individuals affected with MEFV-related conditions. Algorithms developed to predict the effect of missense changes on protein structure and function are either unavailable or do not agree on the potential impact of this missense change (SIFT: "Deleterious"; PolyPhen-2: "Benign"; Align-GVGD: "Class C0"). In summary, the available evidence is currently insufficient to determine the role of this variant in disease. Therefore, it has been classified as a Variant of Uncertain Significance.